The following is an entry in ClinVar:

ClinVar aggregate classification (germline): Uncertain significance. Review status: criteria provided, multiple submitters, no conflicts (2 of 4 stars). 2 submissions from 2 submitters: Uncertain significance (2). Last evaluated 2025-10-01.

Conditions:
BRD4-related disorder. Also called: BRD4-related condition.

Submissions (2):

PreventionGenetics, part of Exact Sciences
Classification: Uncertain significance for BRD4-related condition. Last evaluated: 2025-10-01. Review status: criteria provided, single submitter. Criteria: ACMG Guidelines, 2015. Collection method: clinical testing. Allele origin: germline.
Comment: The BRD4 c.2946_2951dup6 variant is predicted to result in an in-frame duplication (p.Gln983_Pro984dup). To our knowledge, this variant has not been reported in the literature or in a large population database (gnomAD), indicating this variant is rare. At this time, the clinical significance of this variant is uncertain due to the absence of conclusive functional and genetic evidence.

Labcorp Genetics (formerly Invitae), Labcorp
Classification: Uncertain significance. Last evaluated: 2024-08-17. Review status: criteria provided, single submitter. Criteria: Invitae Variant Classification Sherloc (09022015). Collection method: clinical testing. Allele origin: germline.
Comment: This variant, c.2946_2951dup, results in the insertion of 2 amino acid(s) of the BRD4 protein (p.Gln983_Pro984dup), but otherwise preserves the integrity of the reading frame. This variant is not present in population databases (gnomAD no frequency). This variant has not been reported in the literature in individuals affected with BRD4-related conditions. Experimental studies and prediction algorithms are not available or were not evaluated, and the functional significance of this variant is currently unknown. In summary, the available evidence is currently insufficient to determine the role of this variant in disease. Therefore, it has been classified as a Variant of Uncertain Significance.

NM_001379291.1(BRD4):c.2940CCAGCC[3] (p.Pro984_Pro985insGlnPro)

Gene: BRD4 (bromodomain containing 4; minus strand). Cytogenetic location: 19p13.12.
Variant type: Microsatellite.
Coding change: c.2940CCAGCC[3] on transcript NM_001379291.1 (MANE Select); three copies in a row of the 6-base unit CCAGCC starting at c.2940; the reference has two copies in a row; one copy, 6 bases duplicated.
Protein change: p.Pro984_Pro985insGlnPro.
Molecular consequence: inframe insertion.
Genome position (GRCh38, 1-based): chr19:15,243,118-15,243,123, GGCTGG duplicated on the plus strand (CCAGCC on the coding strand, the reverse complement: BRD4 is on the minus strand); duplicating any 6 consecutive bases within chr19:15,243,118-15,243,131 gives the same sequence; the position shown is the placement nearest the transcript's 3' end. VCF-style (leftmost placement, unchanged base first): chr19-15243117-A-AGGCTGG. GRCh37 (hg19) VCF-style: chr19-15353928-A-AGGCTGG.
Other names: c.2940CCAGCC[3], p.Pro984_Pro985insGlnPro (NM_058243.3); c.2946_2951dup6 (NM_058243.2).
Identifiers: ClinVar variation 2884288 (VCV002884288.4), dbSNP rs2047252908, ClinGen allele CA2324776677.